The following is an entry in ClinVar:

ClinVar aggregate classification (germline): Uncertain significance. Review status: criteria provided, multiple submitters, no conflicts (2 of 4 stars). 2 submissions from 2 submitters: Uncertain significance (2). Last evaluated 2024-10-29.

Allele frequency attached by ClinVar (database versions not stated): gnomAD 0.00001; gnomAD exomes 0.00001 and 0.00002; ExAC 0.00002; TOPMed 0.00003.
gnomAD v4.1: 26 of 1,608,808 alleles (0.0016%); highest among the groups gnomAD compares: Middle Eastern, 0.033%; 1 homozygote.

Submissions (2):

Labcorp Genetics (formerly Invitae), Labcorp
Classification: Uncertain significance. Last evaluated: 2024-10-29. Review status: criteria provided, single submitter. Criteria: Invitae Variant Classification Sherloc (09022015). Collection method: clinical testing. Allele origin: germline.
Comment: This sequence change replaces isoleucine, which is neutral and non-polar, with valine, which is neutral and non-polar, at codon 700 of the NDUFS1 protein (p.Ile700Val). This variant is present in population databases (rs755681983, gnomAD 0.003%). This variant has not been reported in the literature in individuals affected with NDUFS1-related conditions. ClinVar contains an entry for this variant (Variation ID: 1478320). Invitae Evidence Modeling of protein sequence and biophysical properties (such as structural, functional, and spatial information, amino acid conservation, physicochemical variation, residue mobility, and thermodynamic stability) indicates that this missense variant is not expected to disrupt NDUFS1 protein function with a negative predictive value of 95%. In summary, the available evidence is currently insufficient to determine the role of this variant in disease. Therefore, it has been classified as a Variant of Uncertain Significance.

Blueprint Genetics
Classification: Uncertain significance. Last evaluated: 2023-09-06. Review status: criteria provided, single submitter. Criteria: ACMG Guidelines, 2015. Collection method: clinical testing. Allele origin: germline.

NM_005006.7(NDUFS1):c.2098A>G (p.Ile700Val)

Gene: NDUFS1 (NADH:ubiquinone oxidoreductase core subunit S1; minus strand). Cytogenetic location: 2q33.3.
Variant type: single nucleotide variant.
Coding change: c.2098A>G on transcript NM_005006.7 (MANE Select); coding-DNA position 2098, A replaced by G.
Protein change: p.Ile700Val; replaces isoleucine 700 with valine.
Molecular consequence: missense variant.
Genome position (GRCh38, 1-based): chr2:206,124,271, T>C on the plus strand (A>G on the coding strand, the complement: NDUFS1 is on the minus strand). VCF-style: chr2-206124271-T-C. GRCh37 (hg19) VCF-style: chr2-206988995-T-C.
Other names: c.1990A>G, p.Ile664Val (NM_001199981.2); c.1765A>G, p.Ile589Val (NM_001199982.2); c.1927A>G, p.Ile643Val (NM_001199983.2); c.2140A>G, p.Ile714Val (NM_001199984.2); short protein forms I700V, I664V, I589V, I643V, I714V.
Identifiers: ClinVar variation 1478320 (VCV001478320.9), dbSNP rs755681983, ClinGen allele CA2070254.